The following is an entry in ClinVar:

ClinVar aggregate classification (germline): Uncertain significance (1 of 4 stars; one submission).

Conditions:
Inborn genetic diseases. Identifiers: MedGen C0950123, MeSH D030342.

Submission:

Ambry Genetics
Classification: Uncertain significance for Inborn genetic diseases. Last evaluated: 2020-02-13. Review status: criteria provided, single submitter. Criteria: Ambry Variant Classification Scheme 2023. Collection method: clinical testing. Allele origin: germline.
Comment: The alteration results in an amino acid change:_x000D_ _x000D_ The c.542C>T (p.S181F) alteration is located in exon 7 (coding exon 6) of the TAOK1 gene. This alteration results from a C to T substitution at nucleotide position 542, causing the serine (S) at amino acid position 181 to be replaced by a phenylalanine (F). The alteration is not observed in population databases: _x000D_ _x000D_ Based on data from the Genome Aggregation Database (gnomAD), the TAOK1 c.542C>T alteration was not observed, with coverage at this position. The altered amino acid is conserved throughout evolution:_x000D_ _x000D_ The p.S181 amino acid is conserved in available vertebrate species. The alteration is predicted inconclusive by in silico modeling:_x000D_ _x000D_ The in silico prediction for the p.S181F alteration is inconclusive. Based on insufficient or conflicting evidence, the clinical significance of this alteration remains unclear.

NM_020791.4(TAOK1):c.542C>T (p.Ser181Phe)

Gene: TAOK1 (TAO kinase 1; plus strand). Cytogenetic location: 17q11.2.
Variant type: single nucleotide variant.
Coding change: c.542C>T on transcript NM_020791.4 (MANE Select); coding-DNA position 542, C replaced by T.
Protein change: p.Ser181Phe; replaces serine 181 with phenylalanine.
Molecular consequence: missense variant.
Genome position (GRCh38, 1-based): chr17:29,480,460, C>T. VCF-style: chr17-29480460-C-T. GRCh37 (hg19) VCF-style: chr17-27807478-C-T.
Other names: c.542C>T, p.Ser181Phe (NM_025142.1); short protein forms S181F.
Identifiers: ClinVar variation 985700 (VCV000985700.4), dbSNP rs2031037130, ClinGen allele CA399190059.